The following is an entry in ClinVar:

NM_001171.6(ABCC6):c.1145G>A (p.Arg382Gln)

Gene: ABCC6 (ATP binding cassette subfamily C member 6; minus strand). Cytogenetic location: 16p13.11.
Variant type: single nucleotide variant.
Coding change: c.1145G>A on transcript NM_001171.6 (MANE Select); coding-DNA position 1145, G replaced by A.
Protein change: p.Arg382Gln; replaces arginine 382 with glutamine.
Molecular consequence: missense variant. On other transcripts: non-coding transcript variant (1).
Genome position (GRCh38, 1-based): chr16:16,202,032, C>T on the plus strand (G>A on the coding strand, the complement: ABCC6 is on the minus strand). VCF-style: chr16-16202032-C-T. GRCh37 (hg19) VCF-style: chr16-16295889-C-T.
Other names: c.803G>A, p.Arg268Gln (NM_001351800.1); c.1145G>A (NM_001171.5); short protein forms R382Q, R268Q.
Identifiers: ClinVar variation 3578593 (VCV003578593.2).

ClinVar aggregate classification (germline): Uncertain significance. Review status: criteria provided, multiple submitters, no conflicts (2 of 4 stars). 2 submissions from 2 submitters: Uncertain significance (2). Last evaluated 2025-04-16.

Conditions:
Pseudoxanthoma elasticum, forme fruste. Also called: Pseudoxanthoma Elasticum, Incomplete; PSEUDOXANTHOMA ELASTICUM, HETEROZYGOUS. Identifiers: Orphanet 758, MedGen C1867450, MONDO:0008333, OMIM 177850.
Arterial calcification, generalized, of infancy, 2. Identifiers: Orphanet 51608, MedGen C3276161, MONDO:0013768, OMIM 614473.
Autosomal recessive inherited pseudoxanthoma elasticum (PXE). Identifiers: Orphanet 758, MedGen CN032334, MONDO:0009925, OMIM 264800.

gnomAD v4.1: 17 of 1,613,870 alleles (0.0011%); highest among the groups gnomAD compares: African/African-American, 0.004%; no homozygotes.

Submissions (2):

GeneDx
Classification: Uncertain significance. Last evaluated: 2025-04-16. Review status: criteria provided, single submitter. Criteria: GeneDx Variant Classification Process June 2021. Collection method: clinical testing. Allele origin: germline. Affected: yes.
Comment: Reported in a patient with pseudoxanthoma elasticum who harbored an additional variant in ABCC6 in unknown phase (PMID: 33316262); Not observed at significant frequency in large population cohorts (gnomAD); In silico analysis supports that this missense variant has a deleterious effect on protein structure/function; This variant is associated with the following publications: (PMID: 34205333, 33316262)

Fulgent Genetics
Classification: Uncertain significance for Pseudoxanthoma elasticum, forme fruste; Autosomal recessive inherited pseudoxanthoma elasticum; Arterial calcification, generalized, of infancy, 2. Last evaluated: 2024-05-23. Review status: criteria provided, single submitter. Criteria: ACMG Guidelines, 2015. Collection method: clinical testing. Allele origin: germline.